The following is an entry in ClinVar:

ClinVar aggregate classification (germline): Uncertain significance (1 of 4 stars; one submission).

Conditions:
Hyperekplexia 3 (HKPX3). Also called: HYPEREKPLEXIA 3, AUTOSOMAL RECESSIVE; HYPEREKPLEXIA 3, AUTOSOMAL DOMINANT. Identifiers: Orphanet 3197, MedGen C3553288, MONDO:0013827, OMIM 614618.

Allele frequency attached by ClinVar (database versions not stated): TOPMed below 0.00001; gnomAD 0.00001; gnomAD exomes 0.00001.
gnomAD v4.1: 13 of 1,609,078 alleles (0.00081%); highest among the groups gnomAD compares: Non-Finnish European, 0.0011%; no homozygotes.

Submission:

Labcorp Genetics (formerly Invitae), Labcorp
Classification: Uncertain significance for Hyperekplexia 3. Last evaluated: 2022-03-18. Review status: criteria provided, single submitter. Criteria: Invitae Variant Classification Sherloc (09022015). Collection method: clinical testing. Allele origin: germline.
Comment: This sequence change replaces glycine, which is neutral and non-polar, with alanine, which is neutral and non-polar, at codon 657 of the SLC6A5 protein (p.Gly657Ala). This variant is present in population databases (no rsID available, gnomAD 0.0009%). This missense change has been observed in individual(s) with hyperekplexia (PMID: 22700964). Algorithms developed to predict the effect of missense changes on protein structure and function are either unavailable or do not agree on the potential impact of this missense change (SIFT: "Tolerated"; PolyPhen-2: "Possibly Damaging"; Align-GVGD: "Class C0"). Experimental studies have shown that this missense change affects SLC6A5 function (PMID: 22700964). In summary, the available evidence is currently insufficient to determine the role of this variant in disease. Therefore, it has been classified as a Variant of Uncertain Significance.

Literature cited by the submitters: PubMed 22700964.

NM_004211.5(SLC6A5):c.1970G>C (p.Gly657Ala)

Gene: SLC6A5 (solute carrier family 6 member 5; plus strand). Cytogenetic location: 11p15.1.
Variant type: single nucleotide variant.
Coding change: c.1970G>C on transcript NM_004211.5 (MANE Select); coding-DNA position 1970, G replaced by C.
Protein change: p.Gly657Ala; replaces glycine 657 with alanine.
Molecular consequence: missense variant.
Genome position (GRCh38, 1-based): chr11:20,646,834, G>C. VCF-style: chr11-20646834-G-C. GRCh37 (hg19) VCF-style: chr11-20668380-G-C.
Other names: c.1268G>C, p.Gly423Ala (NM_001318369.2); short protein forms G423A, G657A.
Identifiers: ClinVar variation 2137030 (VCV002137030.4), dbSNP rs1393021676, ClinGen allele CA379919271.